The following is an entry in ClinVar:

ClinVar aggregate classification (germline): Uncertain significance (1 of 4 stars; one submission).

gnomAD v4.1: 1 of 1,614,142 alleles (0.000062%); highest among the groups gnomAD compares: Admixed American, 0.0017%; no homozygotes.

Submission:

Women's Health and Genetics/Laboratory Corporation of America, LabCorp
Classification: Uncertain significance. Last evaluated: 2025-10-03. Review status: criteria provided, single submitter. Criteria: LabCorp Variant Classification Summary - May 2015. Collection method: clinical testing. Allele origin: germline.
Comment: Variant summary: NSD1 c.3364A>G (p.Ile1122Val) results in a conservative amino acid change in the encoded protein sequence. Algorithms developed to predict the effect of missense changes on protein structure and function all suggest that this variant is likely to be tolerated. The variant allele was found at a frequency of 4e-06 in 251104 control chromosomes. The available data on variant occurrences in the general population are insufficient to allow any conclusion about variant significance. To our knowledge, no occurrence of c.3364A>G in individuals affected with NSD1-related conditions and no experimental evidence demonstrating its impact on protein function have been reported. No submitters have cited clinical-significance assessments for this variant to ClinVar. Based on the evidence outlined above, the variant was classified as uncertain significance.

NM_022455.5(NSD1):c.3364A>G (p.Ile1122Val)

Gene: NSD1 (nuclear receptor binding SET domain protein 1; plus strand). Cytogenetic location: 5q35.3.
Variant type: single nucleotide variant.
Coding change: c.3364A>G on transcript NM_022455.5 (MANE Select); coding-DNA position 3364, A replaced by G.
Protein change: p.Ile1122Val; replaces isoleucine 1122 with valine.
Molecular consequence: missense variant.
Genome position (GRCh38, 1-based): chr5:177,211,763, A>G. VCF-style: chr5-177211763-A-G. GRCh37 (hg19) VCF-style: chr5-176638764-A-G.
Other names: c.2491A>G, p.Ile831Val (NM_001365684.2, NM_001409306.1, NM_001409307.1 and 3 more transcripts); c.3364A>G, p.Ile1122Val (NM_001409301.1, NM_001409302.1, NM_001409303.1); c.2944A>G, p.Ile982Val (NM_001409304.1); c.2611A>G, p.Ile871Val (NM_001409305.1); short protein forms I1122V, I831V, I871V, I982V.
Identifiers: ClinVar variation 4687587 (VCV004687587.1).